The following is an entry in ClinVar:

NM_007198.4(PLPBP):c.316del (p.Met106fs)

Gene: PLPBP (pyridoxal phosphate binding protein; plus strand). Cytogenetic location: 8p11.23.
Variant type: Deletion.
Coding change: c.316del on transcript NM_007198.4 (MANE Select); coding-DNA position 316, one base deleted (A; older notation c.316delA).
Protein change: p.Met106fs; shifts the reading frame from methionine 106.
Molecular consequence: frameshift variant.
Genome position (GRCh38, 1-based): chr8:37,766,352, A deleted. VCF-style (leftmost placement, unchanged base first): chr8-37766351-GA-G. GRCh37 (hg19) VCF-style: chr8-37623869-GA-G.
Other names: c.316del, p.Met106fs (NM_001349346.2); c.310del, p.Met104fs (NM_001349347.2); c.160del, p.Met54fs (NM_001349348.2); c.421del, p.Met141fs (NM_001349349.1); short protein forms M106fs, M104fs, M141fs, M54fs.
Identifiers: ClinVar variation 2761004 (VCV002761004.3), dbSNP rs2487372007, ClinGen allele CA2697549835.
Genomic context (GRCh38, chr8:37,766,351, plus strand): 5'-GTGTCCTGAGATCAAATGGCACTTCATTGGCCACCTACAGAAACAAAATGTCAACAAATT[GA>G]TGGGTAAGATAAAATTAAATATGAAAACAAAATTGTTCTGTCATTGTATTGCTTCTACTA-3'

ClinVar aggregate classification (germline): Pathogenic (1 of 4 stars; one submission).

Submission:

Labcorp Genetics (formerly Invitae), Labcorp
Classification: Pathogenic. Last evaluated: 2023-09-15. Review status: criteria provided, single submitter. Criteria: Invitae Variant Classification Sherloc (09022015). Collection method: clinical testing. Allele origin: germline.
Comment: This sequence change creates a premature translational stop signal (p.Met106Trpfs*15) in the PROSC gene. It is expected to result in an absent or disrupted protein product. Loss-of-function variants in PROSC are known to be pathogenic (PMID: 27912044). This variant is not present in population databases (gnomAD no frequency). This variant has not been reported in the literature in individuals affected with PROSC-related conditions. For these reasons, this variant has been classified as Pathogenic.

Literature cited by the submitters: PubMed 27912044.